The following is an entry in ClinVar:

ClinVar aggregate classification (germline): Uncertain significance. Review status: criteria provided, multiple submitters, no conflicts (2 of 4 stars). 2 submissions from 2 submitters: Uncertain significance (2). Last evaluated 2024-12-16.

Conditions:
Hereditary cancer-predisposing syndrome. Also called: Tumor predisposition; Neoplastic Syndromes, Hereditary; Hereditary Cancer Syndrome; Hereditary neoplastic syndrome. Identifiers: Orphanet 140162, MedGen C0027672, MeSH D009386, MONDO:0015356.
Tumor predisposition syndrome 3 (TPDS3). Also called: Glioma susceptibility 9; LONG TELOMERE SYNDROME, POT1-RELATED; POT1 Tumor Predisposition; Melanoma, cutaneous malignant, susceptibility to, 10. Identifiers: Orphanet 618, MedGen C4014476, MONDO:0014368, OMIM 615848.

Submissions (2):

Ambry Genetics
Classification: Uncertain significance for Hereditary cancer-predisposing syndrome. Last evaluated: 2024-12-16. Review status: criteria provided, single submitter. Criteria: Ambry Variant Classification Scheme 2023. Collection method: clinical testing. Allele origin: germline.
Comment: The p.P34A variant (also known as c.100C>G), located in coding exon 2 of the POT1 gene, results from a C to G substitution at nucleotide position 100. The proline at codon 34 is replaced by alanine, an amino acid with highly similar properties. This amino acid position is highly conserved in available vertebrate species. In addition, this alteration is predicted to be tolerated by in silico analysis. Based on the available evidence, the clinical significance of this variant remains unclear.

Labcorp Genetics (formerly Invitae), Labcorp
Classification: Uncertain significance for Tumor predisposition syndrome 3. Last evaluated: 2022-06-14. Review status: criteria provided, single submitter. Criteria: Invitae Variant Classification Sherloc (09022015). Collection method: clinical testing. Allele origin: germline.
Comment: In summary, the available evidence is currently insufficient to determine the role of this variant in disease. Therefore, it has been classified as a Variant of Uncertain Significance. Algorithms developed to predict the effect of missense changes on protein structure and function (SIFT, PolyPhen-2, Align-GVGD) all suggest that this variant is likely to be tolerated. This variant has not been reported in the literature in individuals affected with POT1-related conditions. This variant is not present in population databases (gnomAD no frequency). This sequence change replaces proline, which is neutral and non-polar, with alanine, which is neutral and non-polar, at codon 34 of the POT1 protein (p.Pro34Ala).

NM_015450.3(POT1):c.100C>G (p.Pro34Ala)

Gene: POT1 (protection of telomeres 1; minus strand). Cytogenetic location: 7q31.33.
Variant type: single nucleotide variant.
Coding change: c.100C>G on transcript NM_015450.3 (MANE Select); coding-DNA position 100, C replaced by G.
Protein change: p.Pro34Ala; replaces proline 34 with alanine.
Molecular consequence: missense variant. On other transcripts: 5 prime UTR variant (1), non-coding transcript variant (3).
Genome position (GRCh38, 1-based): chr7:124,892,290, G>C on the plus strand (C>G on the coding strand, the complement: POT1 is on the minus strand). VCF-style: chr7-124892290-G-C. GRCh37 (hg19) VCF-style: chr7-124532344-G-C.
Other names: c.-163C>G (NM_001042594.2); short protein forms P34A.
Identifiers: ClinVar variation 1796024 (VCV001796024.8), dbSNP rs1221080304, ClinGen allele CA369066021.